The following is an entry in ClinVar:

NM_014324.6(AMACR):c.*763CA[2]

Genes: AMACR (alpha-methylacyl-CoA racemase; minus strand), C1QTNF3-AMACR (C1QTNF3-AMACR readthrough (NMD candidate); minus strand). Cytogenetic location: 5p13.2.
Variant type: Microsatellite.
Coding change: c.*763CA[2] on transcript NM_014324.6 (MANE Select); two copies in a row of the 2-base unit CA starting at c.*763; the reference has three copies in a row; one copy, 2 bases deleted.
Molecular consequence: 3 prime UTR variant. On other transcripts: non-coding transcript variant (1), frameshift variant (1).
Genome position (GRCh38, 1-based): chr5:33,988,325-33,988,326, TG deleted on the plus strand (CA on the coding strand, the reverse complement: AMACR is on the minus strand); deleting any 2 consecutive bases within chr5:33,988,325-33,988,331 gives the same sequence; the position shown is the placement nearest the transcript's 3' end. VCF-style (leftmost placement, unchanged base first): chr5-33988324-CTG-C. GRCh37 (hg19) VCF-style: chr5-33988429-CTG-C.
Other names: c.1167_1168del, p.His389fs (NM_001167595.2); c.*1154CA[2] (NM_203382.3); short protein forms H389fs.
Identifiers: ClinVar variation 4983509 (VCV004983509.1).

ClinVar aggregate classification (germline): Uncertain significance (1 of 4 stars; one submission).

Conditions:
AMACR-related disorder. Also called: AMACR-Related Disorders; AMACR-related condition.

Submission:

PreventionGenetics, part of Exact Sciences
Classification: Uncertain significance for AMACR-related condition. Last evaluated: 2025-11-07. Review status: criteria provided, single submitter. Criteria: ACMG Guidelines, 2015. Collection method: clinical testing. Allele origin: germline.
Comment: The AMACR c.1167_1168delCA variant is predicted to result in a frameshift and premature protein termination (p.His389Glnfs*22). This variant occurs in the last exon of the gene and is predicted to result in protein extension. To our knowledge, this variant has not been reported in the literature. This variant corresponds to a post-coding position in an alternate transcript for this gene (NM_014324:c.*767_*768delCA). This variant is reported in 0.0040% of alleles in individuals of Latino descent in gnomAD. At this time, the clinical significance of this variant is uncertain due to the absence of conclusive functional and genetic evidence.